The following is an entry in ClinVar:

NM_000047.3(ARSL):c.23+1G>C

Gene: ARSL (arylsulfatase L; minus strand). Cytogenetic location: Xp22.33.
Variant type: single nucleotide variant.
Coding change: c.23+1G>C on transcript NM_000047.3 (MANE Select); the canonical splice donor site of the intron after coding-DNA position 23, G replaced by C.
Molecular consequence: splice donor variant.
Genome position (GRCh38, 1-based): chrX:2,960,377, C>G on the plus strand (G>C on the coding strand, the complement: ARSL is on the minus strand). VCF-style: chrX-2960377-C-G. GRCh37 (hg19) VCF-style: chrX-2878418-C-G.
Other names: c.-189+1G>C (NM_001282628.2, NM_001369080.1); c.23+1G>C (NM_001282631.2); c.50+1G>C (NM_001369079.1).
Identifiers: ClinVar variation 2717967 (VCV002717967.3), dbSNP rs372316277, ClinGen allele CA10338291.

ClinVar aggregate classification (germline): Likely pathogenic (1 of 4 stars; one submission).

Conditions:
Chondrodysplasia punctata, brachytelephalangic, autosomal. Also called: BRACHYTELEPHALANGIC CHONDRODYSPLASIA PUNCTATA. Identifiers: MedGen C1844853, MONDO:0011238, OMIM 602497.

Allele frequency attached by ClinVar (database versions not stated): gnomAD exomes below 0.00001; ExAC 0.00001; ESP Exome Variant Server 0.00009.

Submission:

Labcorp Genetics (formerly Invitae), Labcorp
Classification: Likely pathogenic for Chondrodysplasia punctata, brachytelephalangic, autosomal. Last evaluated: 2023-07-25. Review status: criteria provided, single submitter. Criteria: Invitae Variant Classification Sherloc (09022015). Collection method: clinical testing. Allele origin: germline.
Comment: This sequence change affects a donor splice site in intron 2 of the ARSE gene. It is expected to disrupt RNA splicing. Variants that disrupt the donor or acceptor splice site typically lead to a loss of protein function (PMID: 16199547), and loss-of-function variants in ARSE are known to be pathogenic (PMID: 9497243, 23470839). This variant is present in population databases (rs372316277, gnomAD 0.001%). This variant has not been reported in the literature in individuals affected with ARSE-related conditions. Algorithms developed to predict the effect of sequence changes on RNA splicing suggest that this variant may disrupt the consensus splice site. In summary, the currently available evidence indicates that the variant is pathogenic, but additional data are needed to prove that conclusively. Therefore, this variant has been classified as Likely Pathogenic.

Literature cited by the submitters: PubMed 16199547; PubMed 9497243; PubMed 23470839.